The following is an entry in ClinVar:

NM_005076.5(CNTN2):c.1315C>G (p.Pro439Ala)

Gene: CNTN2 (contactin 2; plus strand). Cytogenetic location: 1q32.1.
Variant type: single nucleotide variant.
Coding change: c.1315C>G on transcript NM_005076.5 (MANE Select); coding-DNA position 1315, C replaced by G.
Protein change: p.Pro439Ala; replaces proline 439 with alanine.
Molecular consequence: missense variant. On other transcripts: non-coding transcript variant (1).
Genome position (GRCh38, 1-based): chr1:205,064,396, C>G. VCF-style: chr1-205064396-C-G. GRCh37 (hg19) VCF-style: chr1-205033524-C-G.
Other names: c.1315C>G, p.Pro439Ala (NM_001346083.2); short protein forms P439A.
Identifiers: ClinVar variation 1041746 (VCV001041746.6), dbSNP rs369127731, ClinGen allele CA1351340.
Genomic context (GRCh38, chr1:205,064,396, plus strand): 5'-TTCAGGCTGAATCCCGTGAGGCGTCTGATCCCCGCGGCCCGCGGGGGAGAGATCCTTATC[C>G]CCTGCCAGCCCCGGGCAGCTCCAAAGGCCGTGGTGCTCTGGAGCAAAGGCACGGAGATTT-3'
Protein context (NP_005067.1, residues 429-449): PAARGGEILI[Pro439Ala]CQPRAAPKAV

ClinVar aggregate classification (germline): Uncertain significance (1 of 4 stars; one submission).

Conditions:
Epilepsy, familial adult myoclonic, 5 (EPEO5). Also called: CORTICAL MYOCLONIC TREMOR WITH EPILEPSY, FAMILIAL, 5. Identifiers: Orphanet 86814, MedGen C3809374, MONDO:0014167, OMIM 615400.

Allele frequency attached by ClinVar (database versions not stated): ExAC 0.00002; gnomAD exomes 0.00002; gnomAD 0.00003 and 0.00004; TOPMed 0.00006; ESP Exome Variant Server 0.00008.
gnomAD v4.1: 72 of 1,612,310 alleles (0.0045%); highest among the groups gnomAD compares: Non-Finnish European, 0.0056%; no homozygotes.

Submission:

Labcorp Genetics (formerly Invitae), Labcorp
Classification: Uncertain significance for Epilepsy, familial adult myoclonic, 5. Last evaluated: 2024-10-22. Review status: criteria provided, single submitter. Criteria: Invitae Variant Classification Sherloc (09022015). Collection method: clinical testing. Allele origin: germline.
Comment: This sequence change replaces proline, which is neutral and non-polar, with alanine, which is neutral and non-polar, at codon 439 of the CNTN2 protein (p.Pro439Ala). This variant is present in population databases (rs369127731, gnomAD 0.002%). This variant has not been reported in the literature in individuals affected with CNTN2-related conditions. ClinVar contains an entry for this variant (Variation ID: 1041746). Invitae Evidence Modeling of protein sequence and biophysical properties (such as structural, functional, and spatial information, amino acid conservation, physicochemical variation, residue mobility, and thermodynamic stability) indicates that this missense variant is not expected to disrupt CNTN2 protein function with a negative predictive value of 95%. In summary, the available evidence is currently insufficient to determine the role of this variant in disease. Therefore, it has been classified as a Variant of Uncertain Significance.